The following is an entry in ClinVar:

NM_014264.5(PLK4):c.345C>G (p.His115Gln)

Gene: PLK4 (polo like kinase 4; plus strand). Cytogenetic location: 4q28.1.
Variant type: single nucleotide variant.
Coding change: c.345C>G on transcript NM_014264.5 (MANE Select); coding-DNA position 345, C replaced by G.
Protein change: p.His115Gln; replaces histidine 115 with glutamine.
Molecular consequence: missense variant.
Genome position (GRCh38, 1-based): chr4:127,885,715, C>G. VCF-style: chr4-127885715-C-G. GRCh37 (hg19) VCF-style: chr4-128806870-C-G.
Other names: c.249C>G, p.His83Gln (NM_001190799.2); c.222C>G, p.His74Gln (NM_001190801.2); short protein forms H115Q, H83Q, H74Q.
Identifiers: ClinVar variation 1418091 (VCV001418091.6), dbSNP rs1393928803, ClinGen allele CA358168381.

ClinVar aggregate classification (germline): Uncertain significance (1 of 4 stars; one submission).

Allele frequency attached by ClinVar (database versions not stated): gnomAD 0.00001.
gnomAD v4.1: 28 of 1,606,142 alleles (0.0017%); highest among the groups gnomAD compares: Non-Finnish European, 0.0023%; no homozygotes.

Submission:

Labcorp Genetics (formerly Invitae), Labcorp
Classification: Uncertain significance. Last evaluated: 2022-07-12. Review status: criteria provided, single submitter. Criteria: Invitae Variant Classification Sherloc (09022015). Collection method: clinical testing. Allele origin: germline.
Comment: In summary, the available evidence is currently insufficient to determine the role of this variant in disease. Therefore, it has been classified as a Variant of Uncertain Significance. Algorithms developed to predict the effect of missense changes on protein structure and function output the following: SIFT: "Deleterious"; PolyPhen-2: "Benign"; Align-GVGD: "Class C0". The glutamine amino acid residue is found in multiple mammalian species, which suggests that this missense change does not adversely affect protein function. ClinVar contains an entry for this variant (Variation ID: 1418091). This variant has not been reported in the literature in individuals affected with PLK4-related conditions. This variant is not present in population databases (gnomAD no frequency). This sequence change replaces histidine, which is basic and polar, with glutamine, which is neutral and polar, at codon 115 of the PLK4 protein (p.His115Gln).